The following is an entry in ClinVar:

NM_000179.3(MSH6):c.2964C>A (p.Arg988=)

Gene: MSH6 (mutS homolog 6; plus strand). Cytogenetic location: 2p16.3.
Variant type: single nucleotide variant.
Coding change: c.2964C>A on transcript NM_000179.3 (MANE Select); coding-DNA position 2964, C replaced by A.
Protein change: p.Arg988=; no amino-acid change (arginine 988 retained).
Molecular consequence: synonymous variant.
Genome position (GRCh38, 1-based): chr2:47,800,947, C>A. VCF-style: chr2-47800947-C-A. GRCh37 (hg19) VCF-style: chr2-48028086-C-A.
Other names: c.2574C>A, p.Arg858= (NM_001281492.2); c.2058C>A, p.Arg686= (NM_001281493.2, NM_001281494.2).
Identifiers: ClinVar variation 220040 (VCV000220040.23), dbSNP rs144288981, ClinGen allele CA069889.
Genomic context (GRCh38, chr2:47,800,947, plus strand): 5'-CTATTGGGGGATTGGTAGGAACCGTTACCAGCTGGAAATTCCTGAGAATTTCACCACTCG[C>A]AATTTGCCAGAAGAATACGAGTTGAAATCTACCAAGAAGGGCTGTAAACGATACTGGACC-3'
Protein context (NP_000170.1, residues 978-998): QLEIPENFTT[Arg988=]NLPEEYELKS

ClinVar aggregate classification (germline): Benign/Likely benign. Review status: criteria provided, multiple submitters, no conflicts (2 of 4 stars). 7 submissions from 7 submitters: Benign (1); Likely benign (6). Last evaluated 2025-08-29.

Conditions:
Hereditary nonpolyposis colorectal neoplasms. Identifiers: MedGen C0009405, MeSH D003123.
Hereditary cancer-predisposing syndrome. Also called: Hereditary neoplastic syndrome; Tumor predisposition; Hereditary Cancer Syndrome; Neoplastic Syndromes, Hereditary. Identifiers: Orphanet 140162, MedGen C0027672, MeSH D009386, MONDO:0015356.
Lynch syndrome. Identifiers: Orphanet 144, MedGen C4552100, MONDO:0005835. Disease mechanism: loss of function.
Lynch syndrome 5 (LYNCH5). Also called: Colorectal cancer, hereditary nonpolyposis, type 5; Hereditary non-polyposis colorectal cancer, type 5. Identifiers: Orphanet 144, MedGen C1833477, MONDO:0013710, OMIM 614350. Disease mechanism: loss of function.

Allele frequency attached by ClinVar (database versions not stated): TOPMed 0.00004; gnomAD 0.00006; ESP Exome Variant Server 0.00008; gnomAD exomes 0.00001; ExAC 0.00002.
gnomAD v4.1: 12 of 1,571,928 alleles (0.00076%); highest among the groups gnomAD compares: African/African-American, 0.015%; no homozygotes.

Submissions (7):

Labcorp Genetics (formerly Invitae), Labcorp
Classification: Likely benign for Hereditary nonpolyposis colorectal neoplasms. Last evaluated: 2025-08-29. Review status: criteria provided, single submitter. Criteria: Invitae Variant Classification Sherloc (09022015). Collection method: clinical testing. Allele origin: germline.

Myriad Genetics, Inc.
Classification: Benign for Lynch syndrome 5. Last evaluated: 2025-01-02. Review status: criteria provided, single submitter. Criteria: Myriad Autosomal Dominant, Autosomal Recessive and X-Linked Classification Criteria (2023). Collection method: clinical testing. Allele origin: unknown.
Comment: This variant is considered benign. This variant is a silent/synonymous amino acid change and it is not expected to impact splicing.

All of Us Research Program, National Institutes of Health
Classification: Likely benign for Lynch syndrome. Last evaluated: 2023-06-26. Review status: criteria provided, single submitter. Criteria: ACMG Guidelines, 2015. Collection method: clinical testing. Allele origin: germline. Inheritance: Autosomal dominant inheritance. Observed: 1 variant allele, 1 heterozygote.
Comment: This study involves interpretation of variants in research participants for the purpose of population health screening. Participant phenotype was not available at the time of variant classification. Additional details can be found in publication PMID: 35346344, PMCID: PMC8962531

GeneDx
Classification: Likely benign. Last evaluated: 2020-09-24. Review status: criteria provided, single submitter. Criteria: GeneDx Variant Classification Process June 2021. Collection method: clinical testing. Allele origin: germline. Affected: yes.

Women's Health and Genetics/Laboratory Corporation of America, LabCorp
Classification: Likely benign. Last evaluated: 2019-08-29. Review status: criteria provided, single submitter. Criteria: LabCorp Variant Classification Summary - May 2015. Collection method: clinical testing. Allele origin: germline.

Color Diagnostics, LLC DBA Color Health
Classification: Likely benign for Hereditary cancer-predisposing syndrome. Last evaluated: 2017-05-22. Review status: criteria provided, single submitter. Criteria: ACMG Guidelines, 2015. Collection method: clinical testing. Allele origin: germline.

Ambry Genetics
Classification: Likely benign for Hereditary cancer-predisposing syndrome. Last evaluated: 2017-04-11. Review status: criteria provided, single submitter. Criteria: Ambry Variant Classification Scheme 2023. Collection method: clinical testing. Allele origin: germline.